The following is an entry in ClinVar:

ClinVar aggregate classification (germline): Uncertain significance (1 of 4 stars; one submission).

Conditions:
Brugada syndrome 8 (BRGDA8). Identifiers: Orphanet 130, MedGen C2751083, MONDO:0013148, OMIM 613123.

Submission:

Labcorp Genetics (formerly Invitae), Labcorp
Classification: Uncertain significance for Brugada syndrome 8. Last evaluated: 2024-06-16. Review status: criteria provided, single submitter. Criteria: Invitae Variant Classification Sherloc (09022015). Collection method: clinical testing. Allele origin: germline.
Comment: This sequence change replaces threonine, which is neutral and polar, with proline, which is neutral and non-polar, at codon 186 of the HCN4 protein (p.Thr186Pro). This variant is not present in population databases (gnomAD no frequency). This variant has not been reported in the literature in individuals affected with HCN4-related conditions. Advanced modeling of protein sequence and biophysical properties (such as structural, functional, and spatial information, amino acid conservation, physicochemical variation, residue mobility, and thermodynamic stability) performed at Invitae indicates that this missense variant is not expected to disrupt HCN4 protein function with a negative predictive value of 95%. In summary, the available evidence is currently insufficient to determine the role of this variant in disease. Therefore, it has been classified as a Variant of Uncertain Significance.

NM_005477.3(HCN4):c.556A>C (p.Thr186Pro)

Gene: HCN4 (hyperpolarization activated cyclic nucleotide gated potassium channel 4; minus strand). Cytogenetic location: 15q24.1.
Variant type: single nucleotide variant.
Coding change: c.556A>C on transcript NM_005477.3 (MANE Select); coding-DNA position 556, A replaced by C.
Protein change: p.Thr186Pro; replaces threonine 186 with proline.
Molecular consequence: missense variant.
Genome position (GRCh38, 1-based): chr15:73,367,715, T>G on the plus strand (A>C on the coding strand, the complement: HCN4 is on the minus strand). VCF-style: chr15-73367715-T-G. GRCh37 (hg19) VCF-style: chr15-73660056-T-G.
Other names: short protein forms T186P.
Identifiers: ClinVar variation 3636617 (VCV003636617.2).